The following is an entry in ClinVar:

NM_006231.4(POLE):c.5110C>A (p.Leu1704Ile)

Gene: POLE (DNA polymerase epsilon, catalytic subunit; minus strand). Cytogenetic location: 12q24.33.
Variant type: single nucleotide variant.
Coding change: c.5110C>A on transcript NM_006231.4 (MANE Select); coding-DNA position 5110, C replaced by A.
Protein change: p.Leu1704Ile; replaces leucine 1704 with isoleucine.
Molecular consequence: missense variant.
Genome position (GRCh38, 1-based): chr12:132,642,240, G>T on the plus strand (C>A on the coding strand, the complement: POLE is on the minus strand). VCF-style: chr12-132642240-G-T. GRCh37 (hg19) VCF-style: chr12-133218826-G-T.
Other names: short protein forms L1704I.
Identifiers: ClinVar variation 3647942 (VCV003647942.2).

ClinVar aggregate classification (germline): Uncertain significance (1 of 4 stars; one submission).

Submission:

Labcorp Genetics (formerly Invitae), Labcorp
Classification: Uncertain significance. Last evaluated: 2024-03-28. Review status: criteria provided, single submitter. Criteria: Invitae Variant Classification Sherloc (09022015). Collection method: clinical testing. Allele origin: germline.
Comment: This sequence change replaces leucine, which is neutral and non-polar, with isoleucine, which is neutral and non-polar, at codon 1704 of the POLE protein (p.Leu1704Ile). This variant is not present in population databases (gnomAD no frequency). This variant has not been reported in the literature in individuals affected with POLE-related conditions. An algorithm developed to predict the effect of missense changes on protein structure and function (PolyPhen-2) suggests that this variant is likely to be disruptive. In summary, the available evidence is currently insufficient to determine the role of this variant in disease. Therefore, it has been classified as a Variant of Uncertain Significance.